The following is an entry in ClinVar:

NM_000540.3(RYR1):c.10259+17T>C

Gene: RYR1 (ryanodine receptor 1; plus strand). Cytogenetic location: 19q13.2.
Variant type: single nucleotide variant.
Coding change: c.10259+17T>C on transcript NM_000540.3 (MANE Select); 17 bases into the intron after coding-DNA position 10259, T replaced by C.
Molecular consequence: intron variant.
Genome position (GRCh38, 1-based): chr19:38,519,471, T>C. VCF-style: chr19-38519471-T-C. GRCh37 (hg19) VCF-style: chr19-39010111-T-C.
Other names: c.10259+17T>C (NM_001042723.2).
Identifiers: ClinVar variation 256388 (VCV000256388.11), dbSNP rs756915119, ClinGen allele CA052755.

ClinVar aggregate classification (germline): Likely benign. Review status: criteria provided, multiple submitters, no conflicts (2 of 4 stars). 4 submissions from 4 submitters: Likely benign (4). Last evaluated 2025-06-22.

Conditions:
RYR1-related disorder. Also called: RYR1-related condition; RYR1-related disorders. Identifiers: MedGen CN239331.

Allele frequency attached by ClinVar (database versions not stated): ExAC 0.00002; gnomAD 0.00002 and 0.00003; gnomAD exomes 0.00002 and 0.00004; TOPMed 0.00003.
gnomAD v4.1: 52 of 1,582,326 alleles (0.0033%); highest among the groups gnomAD compares: Non-Finnish European, 0.0042%; no homozygotes.

Submissions (4):

Labcorp Genetics (formerly Invitae), Labcorp
Classification: Likely benign for RYR1-related disorder. Last evaluated: 2025-06-22. Review status: criteria provided, single submitter. Criteria: Invitae Variant Classification Sherloc (09022015). Collection method: clinical testing. Allele origin: germline.

Blueprint Genetics
Classification: Likely benign. Last evaluated: 2022-02-03. Review status: criteria provided, single submitter. Criteria: ACMG Guidelines, 2015. Collection method: clinical testing. Allele origin: germline.

GeneDx
Classification: Likely benign. Last evaluated: 2016-10-20. Review status: criteria provided, single submitter. Criteria: GeneDx Variant Classification (06012015). Collection method: clinical testing. Allele origin: germline. Affected: yes.
Comment: This variant is considered likely benign or benign based on one or more of the following criteria: it is a conservative change, it occurs at a poorly conserved position in the protein, it is predicted to be benign by multiple in silico algorithms, and/or has population frequency not consistent with disease.

PreventionGenetics, part of Exact Sciences
Classification: Likely benign. Review status: criteria provided, single submitter. Criteria: ACMG Guidelines, 2015. Collection method: clinical testing. Allele origin: germline.